The following is an entry in ClinVar:

NM_005708.5(GPC6):c.*38A>T

Gene: GPC6 (glypican 6; plus strand). Cytogenetic location: 13q32.1.
Variant type: single nucleotide variant.
Coding change: c.*38A>T on transcript NM_005708.5 (MANE Select); 38 bases downstream of the stop codon, A replaced by T.
Molecular consequence: 3 prime UTR variant.
Genome position (GRCh38, 1-based): chr13:94,403,255, A>T. VCF-style: chr13-94403255-A-T. GRCh37 (hg19) VCF-style: chr13-95055509-A-T.
Identifiers: ClinVar variation 883522 (VCV000883522.4), dbSNP rs115454779, ClinGen allele CA7017246.

ClinVar aggregate classification (germline): Likely benign (1 of 4 stars; one submission).

Conditions:
Autosomal recessive omodysplasia (OMOD1). Also called: MICROMELIC DYSPLASIA, CONGENITAL, WITH DISLOCATION OF RADIUS. Identifiers: Orphanet 2733, Orphanet 93329, MedGen C1850318, MONDO:0009779, OMIM 258315.

Allele frequency attached by ClinVar (database versions not stated): ESP Exome Variant Server 0.00269; TOPMed 0.00299; 1000 Genomes Project 0.00419; 1000 Genomes Project 30x 0.00468.
gnomAD v4.1: 704 of 1,383,034 alleles (0.051%); highest among the groups gnomAD compares: African/African-American, 0.91%; 4 homozygotes.

Submission:

Illumina Laboratory Services, Illumina
Classification: Likely benign for Autosomal recessive omodysplasia. Last evaluated: 2018-01-13. Review status: criteria provided, single submitter. Criteria: ICSL Variant Classification Criteria 13 December 2019. Collection method: clinical testing. Allele origin: germline.
Comment: This variant was observed in the ICSL laboratory as part of a predisposition screen in an ostensibly healthy population. It had not been previously curated by ICSL or reported in the Human Gene Mutation Database (HGMD: prior to June 1st, 2018), and was therefore a candidate for classification through an automated scoring system. Utilizing variant allele frequency, disease prevalence and penetrance estimates, and inheritance mode, an automated score was calculated to assess if this variant is too frequent to cause the disease. Based on the score and internal cut-off values, a variant classified as likely benign is not then subjected to further curation. The score for this variant resulted in a classification of likely benign for this disease.